The following is an entry in ClinVar:

ClinVar aggregate classification (germline): Uncertain significance (1 of 4 stars; one submission).

Submission:

Labcorp Genetics (formerly Invitae), Labcorp
Classification: Uncertain significance. Last evaluated: 2019-11-11. Review status: criteria provided, single submitter. Criteria: Invitae Variant Classification Sherloc (09022015). Collection method: clinical testing. Allele origin: germline.
Comment: In summary, the available evidence is currently insufficient to determine the role of this variant in disease. Therefore, it has been classified as a Variant of Uncertain Significance. Algorithms developed to predict the effect of missense changes on protein structure and function are either unavailable or do not agree on the potential impact of this missense change (SIFT: "Deleterious"; PolyPhen-2: "Probably Damaging"; Align-GVGD: "Class C0"). This variant has not been reported in the literature in individuals with SCN3A-related conditions. This variant is not present in population databases (ExAC no frequency). This sequence change replaces lysine with asparagine at codon 1190 of the SCN3A protein (p.Lys1190Asn). The lysine residue is moderately conserved and there is a moderate physicochemical difference between lysine and asparagine.

NM_006922.4(SCN3A):c.3570G>T (p.Lys1190Asn)

Gene: SCN3A (sodium voltage-gated channel alpha subunit 3; minus strand). Cytogenetic location: 2q24.3.
Variant type: single nucleotide variant.
Coding change: c.3570G>T on transcript NM_006922.4 (MANE Select); coding-DNA position 3570, G replaced by T.
Protein change: p.Lys1190Asn; replaces lysine 1190 with asparagine.
Molecular consequence: missense variant.
Genome position (GRCh38, 1-based): chr2:165,113,915, C>A on the plus strand (G>T on the coding strand, the complement: SCN3A is on the minus strand). VCF-style: chr2-165113915-C-A. GRCh37 (hg19) VCF-style: chr2-165970425-C-A.
Other names: c.3423G>T, p.Lys1141Asn (NM_001081676.2, NM_001081677.2); short protein forms K1141N, K1190N.
Identifiers: ClinVar variation 965309 (VCV000965309.9), dbSNP rs911784490, ClinGen allele CA349033910.